The following is an entry in ClinVar:

NM_000466.3(PEX1):c.3810T>A (p.Ser1270Arg)

Genes: GATAD1 (GATA zinc finger domain containing 1; plus strand), PEX1 (peroxisomal biogenesis factor 1; minus strand). Cytogenetic location: 7q21.2.
Variant type: single nucleotide variant.
Coding change: c.3810T>A on transcript NM_000466.3 (MANE Select); coding-DNA position 3810, T replaced by A.
Protein change: p.Ser1270Arg; replaces serine 1270 with arginine.
Molecular consequence: missense variant.
Genome position (GRCh38, 1-based): chr7:92,487,499, A>T on the plus strand (T>A on the coding strand, the complement: PEX1 is on the minus strand). VCF-style: chr7-92487499-A-T. GRCh37 (hg19) VCF-style: chr7-92116813-A-T.
Other names: c.3639T>A, p.Ser1213Arg (NM_001282677.2); c.3186T>A, p.Ser1062Arg (NM_001282678.2); short protein forms S1270R, S1062R, S1213R.
Identifiers: ClinVar variation 252486 (VCV000252486.23), dbSNP rs139054881, ClinGen allele CA4340719.
Genomic context (GRCh38, chr7:92,487,499, plus strand): 5'-ATCAAAAAGAAGTATATTTTATGCTAAAGTTACTTTCTGTCCAGGTCGAAACATTGTTCC[A>T]CTTTGATTTTTTCTCCTCTTTGGATTTTGAAAGCTTTCATATCTGAAAAAAGAAAGAGAT-3'
Protein context (NP_000457.1, residues 1260-1280): FQNPKRRKNQ[Ser1270Arg]GTMFRPGQKV

ClinVar aggregate classification (germline): Conflicting classifications of pathogenicity. Review status: criteria provided, conflicting classifications (1 of 4 stars). 5 submissions from 5 submitters: Uncertain significance (1); Benign (1); Likely benign (1). 2 of the submissions do not count toward it. Last evaluated 2025-12-08.

Conditions:
PEX1-related disorder. Also called: PEX1-related condition.
Zellweger spectrum disorders (ZS). Also called: Zellweger syndrome; Zellweger Spectrum Disorder (ZSD); Zellweger Spectrum Disorder; Zellweger Spectrum. Identifiers: Orphanet 912, MedGen C0043459, MONDO:0019609.
Peroxisome biogenesis disorder 1A (Zellweger) (PBD1A). Also called: Peroxisome biogenesis disorder 1a; Zellweger leukodystrophy. Identifiers: MedGen C4721541, MONDO:0008953, OMIM 214100.

Allele frequency attached by ClinVar (database versions not stated): TOPMed 0.00012; ESP Exome Variant Server 0.00023; 1000 Genomes Project 30x 0.00062; 1000 Genomes Project 0.00080; gnomAD exomes 0.00092; gnomAD 0.00177 and 0.00188.
gnomAD v4.1: 1,594 of 1,596,452 alleles (0.1%); highest among the groups gnomAD compares: Non-Finnish European, 0.028%; 15 homozygotes.

Submissions (5):

Labcorp Genetics (formerly Invitae), Labcorp
Classification: Benign for Zellweger spectrum disorders. Last evaluated: 2025-12-08. Review status: criteria provided, single submitter. Criteria: Invitae Variant Classification Sherloc (09022015). Collection method: clinical testing. Allele origin: germline.

Illumina Laboratory Services, Illumina
Classification: Uncertain significance for Peroxisome biogenesis disorder 1A (Zellweger). Last evaluated: 2018-01-12. Review status: criteria provided, single submitter. Criteria: ICSL Variant Classification Criteria 13 December 2019. Collection method: clinical testing. Allele origin: germline.

Genomic Diagnostic Laboratory, Division of Genomic Diagnostics, Children's Hospital of Philadelphia
Classification: Likely benign. Last evaluated: 2015-10-02. Review status: criteria provided, single submitter. Criteria: DGD Variant Analysis Guidelines. Collection method: clinical testing. Allele origin: unknown.

PreventionGenetics, part of Exact Sciences
Classification: Benign for PEX1-related condition. Last evaluated: 2019-07-26. Review status: no assertion criteria provided. Collection method: clinical testing. Allele origin: germline. Not counted in ClinVar's aggregate classification.
Comment: This variant is classified as benign based on ACMG/AMP sequence variant interpretation guidelines (Richards et al. 2015 PMID: 25741868, with internal and published modifications).

Natera, Inc.
Classification: Benign for Zellweger syndrome. Last evaluated: 2017-06-30. Review status: no assertion criteria provided. Collection method: clinical testing. Allele origin: germline. Not counted in ClinVar's aggregate classification.